The following is an entry in ClinVar:

NM_022436.3(ABCG5):c.-85A>C

Gene: ABCG5 (ATP binding cassette subfamily G member 5; minus strand). Cytogenetic location: 2p21.
Variant type: single nucleotide variant.
Coding change: c.-85A>C on transcript NM_022436.3 (MANE Select); 85 bases upstream of the start codon, A replaced by C.
Molecular consequence: 5 prime UTR variant.
Genome position (GRCh38, 1-based): chr2:43,838,764, T>G on the plus strand (A>C on the coding strand, the complement: ABCG5 is on the minus strand). VCF-style: chr2-43838764-T-G. GRCh37 (hg19) VCF-style: chr2-44065903-T-G.
Identifiers: ClinVar variation 896470 (VCV000896470.5), dbSNP rs892349127, ClinGen allele CA46426498.

ClinVar aggregate classification (germline): Conflicting classifications of pathogenicity. Review status: criteria provided, conflicting classifications (1 of 4 stars). 2 submissions from 2 submitters: Uncertain significance (1); Likely benign (1). Last evaluated 2025-04-09.

Conditions:
Sitosterolemia 1. Identifiers: MedGen C2749759, MONDO:0020747, OMIM 210250.
ABCG5-related disorder. Also called: ABCG5-related condition.

Allele frequency attached by ClinVar (database versions not stated): gnomAD 0.00004; TOPMed 0.00006.
gnomAD v4.1: 152 of 1,568,834 alleles (0.0097%); highest among the groups gnomAD compares: Middle Eastern, 0.017%; 1 homozygote.

Submissions (2):

PreventionGenetics, part of Exact Sciences
Classification: Likely benign for ABCG5-related condition. Last evaluated: 2025-04-09. Review status: criteria provided, single submitter. Criteria: ACMG Guidelines, 2015. Collection method: clinical testing. Allele origin: germline.
Comment: This variant is classified as likely benign based on ACMG/AMP sequence variant interpretation guidelines (Richards et al. 2015 PMID: 25741868, with internal and published modifications).

Illumina Laboratory Services, Illumina
Classification: Uncertain significance for Sitosterolemia 1. Last evaluated: 2018-01-13. Review status: criteria provided, single submitter. Criteria: ICSL Variant Classification Criteria 13 December 2019. Collection method: clinical testing. Allele origin: germline.